The following is an entry in ClinVar:

NM_000222.3(KIT):c.743_747del (p.Arg248fs)

Gene: KIT (KIT proto-oncogene, receptor tyrosine kinase; plus strand). Cytogenetic location: 4q12.
Variant type: Deletion.
Coding change: c.743_747del on transcript NM_000222.3 (MANE Select); coding-DNA positions 743 to 747, 5 bases deleted (GAGAA; older notation c.743_747delGAGAA).
Protein change: p.Arg248fs; shifts the reading frame from arginine 248.
Molecular consequence: frameshift variant.
Genome position (GRCh38, 1-based): chr4:54,699,753-54,699,757, GAGAA deleted; deleting any 5 consecutive bases within chr4:54,699,751-54,699,757 gives the same sequence; the c. name uses the placement nearest the transcript's 3' end. VCF-style (leftmost placement, unchanged base first): chr4-54699750-AAAGAG-A. GRCh37 (hg19) VCF-style: chr4-55565916-AAAGAG-A.
Other names: c.743_747del, p.Arg248fs (NM_001093772.2, NM_001385284.1, NM_001385285.1 and 4 more transcripts); short protein forms R248fs.
Identifiers: ClinVar variation 5019736 (VCV005019736.2).

ClinVar aggregate classification (germline): Likely pathogenic (1 of 4 stars; one submission).

Conditions:
Piebaldism. Also called: Piebald skin depigmentation. Identifiers: Orphanet 2884, MedGen C0080024, MONDO:0008244, OMIM 172800, HP:0007544.

Submission:

Juno Genomics, Hangzhou Juno Genomics, Inc
Classification: Likely pathogenic for Piebaldism. Review status: criteria provided, single submitter. Criteria: ACMG Guidelines, 2015. Collection method: clinical testing. Allele origin: germline.
Comment: Absent from controls (or at extremely low frequency if recessive) in Genome Aggregation Database.;Null variant in a gene where loss of function (LOF) is a known mechanism of disease.